The following is an entry in ClinVar:

ClinVar aggregate classification (germline): Likely benign. Review status: criteria provided, multiple submitters, no conflicts (2 of 4 stars). 3 submissions from 3 submitters: Likely benign (3). Last evaluated 2026-03-01.

Conditions:
Cardiovascular phenotype. Identifiers: MedGen CN230736.
Dilated cardiomyopathy 1G (CMD1G). Identifiers: Orphanet 154, MedGen C1858763, MONDO:0011400, OMIM 604145.
Autosomal recessive limb-girdle muscular dystrophy type 2J (LGMDR10). Also called: Limb-girdle muscular dystrophy, type 2J; MUSCULAR DYSTROPHY, LIMB-GIRDLE, AUTOSOMAL RECESSIVE 10. Identifiers: Orphanet 140922, MedGen C1837342, MONDO:0012127, OMIM 608807.

Allele frequency attached by ClinVar (database versions not stated): gnomAD exomes below 0.00001 and 0.00001; TOPMed below 0.00001.
gnomAD v4.1: 2 of 1,613,820 alleles (0.00012%); highest among the groups gnomAD compares: Admixed American, 0.0017%; no homozygotes.

Submissions (3):

CeGaT Center for Human Genetics Tuebingen
Classification: Likely benign. Last evaluated: 2026-03-01. Review status: criteria provided, single submitter. Criteria: CeGaT Center For Human Genetics Tuebingen Variant Classification Criteria Version 2. Collection method: clinical testing. Allele origin: germline. Affected: yes. Observed: 1 variant allele.
Comment: TTN: BP4, BP7

Labcorp Genetics (formerly Invitae), Labcorp
Classification: Likely benign for Dilated cardiomyopathy 1G; Autosomal recessive limb-girdle muscular dystrophy type 2J. Last evaluated: 2023-06-21. Review status: criteria provided, single submitter. Criteria: Invitae Variant Classification Sherloc (09022015). Collection method: clinical testing. Allele origin: germline.

Ambry Genetics
Classification: Likely benign for Cardiovascular phenotype. Last evaluated: 2022-11-27. Review status: criteria provided, single submitter. Criteria: Ambry Variant Classification Scheme 2023. Collection method: clinical testing. Allele origin: germline.

NM_001267550.2(TTN):c.95379T>G (p.Pro31793=)

Genes: TTN (titin; minus strand), TTN-AS1 (TTN antisense RNA 1; plus strand). Cytogenetic location: 2q31.2.
Variant type: single nucleotide variant.
Coding change: c.95379T>G on transcript NM_001267550.2 (MANE Select); coding-DNA position 95379, T replaced by G.
Protein change: p.Pro31793=; no amino-acid change (proline 31793 retained).
Molecular consequence: synonymous variant.
Genome position (GRCh38, 1-based): chr2:178,545,857, A>C on the plus strand (T>G on the coding strand, the complement: TTN is on the minus strand). VCF-style: chr2-178545857-A-C. GRCh37 (hg19) VCF-style: chr2-179410584-A-C.
Other names: c.90456T>G, p.Pro30152= (NM_001256850.1); c.68184T>G, p.Pro22728= (NM_003319.4); c.87675T>G, p.Pro29225= (NM_133378.4); c.68559T>G, p.Pro22853= (NM_133432.3); c.68760T>G, p.Pro22920= (NM_133437.4).
Identifiers: ClinVar variation 238868 (VCV000238868.16), dbSNP rs878854431, ClinGen allele CA10581831.